The following is an entry in ClinVar:

NM_201384.3(PLEC):c.4635G>A (p.Ala1545=)

Gene: PLEC (plectin; minus strand). Cytogenetic location: 8q24.3.
Variant type: single nucleotide variant.
Coding change: c.4635G>A on transcript NM_201384.3 (MANE Select); coding-DNA position 4635, G replaced by A.
Protein change: p.Ala1545=; no amino-acid change (alanine 1545 retained).
Molecular consequence: synonymous variant.
Genome position (GRCh38, 1-based): chr8:143,925,294, C>T on the plus strand (G>A on the coding strand, the complement: PLEC is on the minus strand). VCF-style: chr8-143925294-C-T. GRCh37 (hg19) VCF-style: chr8-144999462-C-T.
Other names: p.Ala1531=; c.4716G>A, p.Ala1572= (NM_000445.5); c.4593G>A, p.Ala1531= (NM_201378.4); c.4569G>A, p.Ala1523= (NM_201379.3); c.5046G>A, p.Ala1682= (NM_201380.4); c.4539G>A, p.Ala1513= (NM_201381.3); c.4635G>A, p.Ala1545= (NM_201382.4); c.4647G>A, p.Ala1549= (NM_201383.3).
Identifiers: ClinVar variation 129950 (VCV000129950.32), dbSNP rs76426116, ClinGen allele CA154564.

ClinVar aggregate classification (germline): Benign/Likely benign. Review status: criteria provided, multiple submitters, no conflicts (2 of 4 stars). 11 submissions from 11 submitters: Benign (6); Likely benign (1). 4 of the submissions do not count toward it. Last evaluated 2026-01-24.

Conditions:
PLEC-related disorder. Also called: PLEC-related disorders; PLEC-related condition.
Epidermolysis bullosa simplex 5C, with pyloric atresia (EBS5C). Also called: PLEC1-Related Epidermolysis Bullosa with Pyloric Atresia; PLEC-Related Epidermolysis Bullosa with Pyloric Atresia; Epidermolysis bullosa simplex with pyloric atresia. Identifiers: Orphanet 158684, MedGen C2677349, MONDO:0012807, OMIM 612138.
Epidermolysis bullosa simplex 5B, with muscular dystrophy (EBS5B). Also called: Epidermolysis bullosa simplex with muscular dystrophy; EPIDERMOLYSIS BULLOSA SIMPLEX AND LIMB-GIRDLE MUSCULAR DYSTROPHY. Identifiers: Orphanet 257, MedGen C2931072, MONDO:0009181, OMIM 226670.
Epidermolysis bullosa simplex, Ogna type (EBS5A). Also called: Pidermolysis bullosa simplex 5A, Ogna type; EPIDERMOLYSIS BULLOSA SIMPLEX 5A, OGNA TYPE. Identifiers: Orphanet 79401, MedGen C0432317, MONDO:0007555, OMIM 131950.
Autosomal recessive limb-girdle muscular dystrophy type 2Q (LGMDR17). Also called: MUSCULAR DYSTROPHY, LIMB-GIRDLE, AUTOSOMAL RECESSIVE 17. Identifiers: Orphanet 254361, MedGen C3150989, MONDO:0013390, OMIM 613723.
Epidermolysis bullosa simplex with nail dystrophy (EBS5D). Identifiers: MedGen C4225309, MONDO:0014661, OMIM 616487.

Allele frequency attached by ClinVar (database versions not stated): gnomAD exomes 0.00073 and 0.00176; ExAC 0.00269; 1000 Genomes Project 0.00559; ESP Exome Variant Server 0.00611; 1000 Genomes Project 30x 0.00625; gnomAD 0.00655 and 0.00714; TOPMed 0.00785.
gnomAD v4.1: 2,057 of 1,573,334 alleles (0.13%); highest among the groups gnomAD compares: African/African-American, 2.5%; 30 homozygotes.

Submissions (11):

Labcorp Genetics (formerly Invitae), Labcorp
Classification: Benign for Autosomal recessive limb-girdle muscular dystrophy type 2Q; Epidermolysis bullosa simplex, Ogna type; Epidermolysis bullosa simplex with nail dystrophy; Epidermolysis bullosa simplex 5C, with pyloric atresia; Epidermolysis bullosa simplex 5B, with muscular dystrophy. Last evaluated: 2026-01-24. Review status: criteria provided, single submitter. Criteria: Invitae Variant Classification Sherloc (09022015). Collection method: clinical testing. Allele origin: germline.

Blueprint Genetics
Classification: Likely benign. Last evaluated: 2024-11-25. Review status: criteria provided, single submitter. Criteria: ACMG Guidelines, 2015. Collection method: clinical testing. Allele origin: germline.

Athena Diagnostics
Classification: Benign. Last evaluated: 2024-10-31. Review status: criteria provided, single submitter. Criteria: Athena Diagnostics Criteria. Collection method: clinical testing. Allele origin: unknown.

Mayo Clinic Laboratories, Mayo Clinic
Classification: Benign. Last evaluated: 2024-04-09. Review status: criteria provided, single submitter. Criteria: ACMG Guidelines, 2015. Collection method: clinical testing. Allele origin: germline. Observed: 7 variant alleles.
Comment: BS1, BS2, BP4, BP7

GeneDx
Classification: Benign. Last evaluated: 2018-08-29. Review status: criteria provided, single submitter. Criteria: GeneDx Variant Classification Process June 2021. Collection method: clinical testing. Allele origin: germline. Affected: yes.

Eurofins Ntd Llc (ga)
Classification: Benign. Last evaluated: 2016-02-09. Review status: criteria provided, single submitter. Criteria: EGL Classification Definitions 2015. Collection method: clinical testing. Allele origin: germline. Observed: 4 variant alleles, 4 heterozygotes.

Breakthrough Genomics
Classification: Benign. Review status: criteria provided, single submitter. Criteria: ACMG Guidelines, 2015. Collection method: not provided. Allele origin: germline. Inheritance: Autosomal recessive inheritance. Affected: yes.

PreventionGenetics, part of Exact Sciences
Classification: Benign for PLEC-related condition. Last evaluated: 2019-03-29. Review status: no assertion criteria provided. Collection method: clinical testing. Allele origin: germline. Not counted in ClinVar's aggregate classification.
Comment: This variant is classified as benign based on ACMG/AMP sequence variant interpretation guidelines (Richards et al. 2015 PMID: 25741868, with internal and published modifications).

Clinical Genetics DNA and cytogenetics Diagnostics Lab, Erasmus MC, Erasmus Medical Center
Classification: Benign. Review status: no assertion criteria provided. Collection method: clinical testing. Allele origin: germline. Affected: yes. Study: VKGL Data-share Consensus. Not counted in ClinVar's aggregate classification.

Genetic Services Laboratory, University of Chicago
Classification: Likely benign for AllHighlyPenetrant. Review status: no assertion criteria provided. Collection method: clinical testing. Allele origin: germline. Inheritance: Autosomal recessive inheritance. Not counted in ClinVar's aggregate classification.
Comment: Likely benign based on allele frequency in 1000 Genomes Project or ESP global frequency and its presence in a patient with a rare or unrelated disease phenotype. NOT Sanger confirmed.

Laboratory of Diagnostic Genome Analysis, Leiden University Medical Center (LUMC)
Classification: Likely benign. Review status: no assertion criteria provided. Collection method: clinical testing. Allele origin: germline. Affected: yes. Study: VKGL Data-share Consensus. Not counted in ClinVar's aggregate classification.